The following is an entry in ClinVar:

ClinVar aggregate classification (germline): Uncertain significance (1 of 4 stars; one submission).

Submission:

Labcorp Genetics (formerly Invitae), Labcorp
Classification: Uncertain significance. Last evaluated: 2023-08-29. Review status: criteria provided, single submitter. Criteria: Invitae Variant Classification Sherloc (09022015). Collection method: clinical testing. Allele origin: germline.
Comment: Experimental studies and prediction algorithms are not available or were not evaluated, and the functional significance of this variant is currently unknown. This variant has not been reported in the literature in individuals affected with NEDD4L-related conditions. This variant is not present in population databases (gnomAD no frequency). This sequence change affects the initiator methionine of the NEDD4L mRNA. The next in-frame methionine is located at codon 122. In summary, the available evidence is currently insufficient to determine the role of this variant in disease. Therefore, it has been classified as a Variant of Uncertain Significance.

NM_001144967.3(NEDD4L):c.2T>C (p.Met1Thr)

Genes: NEDD4L (NEDD4 like E3 ubiquitin protein ligase; plus strand), LOC130062568 (ATAC-STARR-seq lymphoblastoid silent region 9483; plus strand). Cytogenetic location: 18q21.31.
Variant type: single nucleotide variant.
Coding change: c.2T>C on transcript NM_001144967.3 (MANE Select); coding-DNA position 2, T replaced by C.
Protein change: p.Met1Thr; changes the start codon (methionine 1).
Molecular consequence: missense variant, initiator codon variant.
Genome position (GRCh38, 1-based): chr18:58,044,662, T>C. VCF-style: chr18-58044662-T-C. GRCh37 (hg19) VCF-style: chr18-55711894-T-C.
Other names: c.2T>C, p.Met1Thr (NM_001243960.2, NM_015277.6); short protein forms M1T.
Identifiers: ClinVar variation 2756293 (VCV002756293.3), dbSNP rs2511609121, ClinGen allele CA402714984.